The following is an entry in ClinVar:

ClinVar aggregate classification (germline): Uncertain significance (1 of 4 stars; one submission).

Submission:

GeneDx
Classification: Uncertain significance. Last evaluated: 2022-11-28. Review status: criteria provided, single submitter. Criteria: GeneDx Variant Classification Process June 2021. Collection method: clinical testing. Allele origin: germline. Affected: yes.
Comment: Not observed at significant frequency in large population cohorts (gnomAD); In silico analysis supports that this missense variant has a deleterious effect on protein structure/function; Has not been previously published as pathogenic or benign to our knowledge; Not located in the triple helical region, where the majority of pathogenic missense variants occur (Symoens et al., 2012; HGMD); This variant is associated with the following publications: (PMID: 22696272)

NM_000093.5(COL5A1):c.5351C>A (p.Ala1784Asp)

Genes: COL5A1 (collagen type V alpha 1 chain; plus strand), LOC101448202 (uncharacterized LOC101448202; minus strand). Cytogenetic location: 9q34.3.
Variant type: single nucleotide variant.
Coding change: c.5351C>A on transcript NM_000093.5 (MANE Select); coding-DNA position 5351, C replaced by A.
Protein change: p.Ala1784Asp; replaces alanine 1784 with aspartic acid.
Molecular consequence: missense variant.
Genome position (GRCh38, 1-based): chr9:134,835,185, C>A. VCF-style: chr9-134835185-C-A. GRCh37 (hg19) VCF-style: chr9-137727031-C-A.
Other names: c.5351C>A, p.Ala1784Asp (NM_001278074.1); short protein forms A1784D.
Identifiers: ClinVar variation 2503372 (VCV002503372.1), dbSNP rs2490931172, ClinGen allele CA375460965.